The following is an entry in ClinVar:

ClinVar aggregate classification (germline): Likely pathogenic (1 of 4 stars; one submission).

Conditions:
Wilson disease (WND). Also called: Wilson's disease. Identifiers: Orphanet 905, MedGen C0019202, MONDO:0010200, OMIM 277900. Disease mechanism: loss of function.

Allele frequency attached by ClinVar (database versions not stated): TOPMed below 0.00001.

Submission:

Labcorp Genetics (formerly Invitae), Labcorp
Classification: Likely pathogenic for Wilson disease. Last evaluated: 2022-06-27. Review status: criteria provided, single submitter. Criteria: Invitae Variant Classification Sherloc (09022015). Collection method: clinical testing. Allele origin: germline.
Comment: In summary, the currently available evidence indicates that the variant is pathogenic, but additional data are needed to prove that conclusively. Therefore, this variant has been classified as Likely Pathogenic. Algorithms developed to predict the effect of sequence changes on RNA splicing suggest that this variant may disrupt the consensus splice site. Disruption of this splice site has been observed in individual(s) with Wilson disease (PMID: 17949296, 22484412). This variant is not present in population databases (gnomAD no frequency). This sequence change affects an acceptor splice site in intron 3 of the ATP7B gene. It is expected to disrupt RNA splicing. Variants that disrupt the donor or acceptor splice site typically lead to a loss of protein function (PMID: 16199547), and loss-of-function variants in ATP7B are known to be pathogenic (PMID: 10441329, 16283883).

Literature cited by the submitters: PubMed 17949296; PubMed 22484412; PubMed 16199547; PubMed 10441329; PubMed 16283883.

NM_000053.4(ATP7B):c.1544-1G>A

Gene: ATP7B (ATPase copper transporting beta; minus strand). Cytogenetic location: 13q14.3.
Variant type: single nucleotide variant.
Coding change: c.1544-1G>A on transcript NM_000053.4 (MANE Select); the canonical splice acceptor site of the intron before coding-DNA position 1544, G replaced by A.
Molecular consequence: splice acceptor variant. On other transcripts: intron variant (3).
Genome position (GRCh38, 1-based): chr13:51,968,608, C>T on the plus strand (G>A on the coding strand, the complement: ATP7B is on the minus strand). VCF-style: chr13-51968608-C-T. GRCh37 (hg19) VCF-style: chr13-52542744-C-T.
Other names: c.1544-1G>A (NM_001406532.1, NM_001406547.1, NM_001406545.1 and 26 more transcripts); c.1211-1G>A (NM_001243182.2); c.1285+5327G>A (NM_001406548.1); c.1544-34G>A (NM_001406524.1, NM_001406514.1); c.1448-1G>A (NM_001406518.1, NM_001406544.1, NM_001406543.1 and 3 more transcripts); c.1115-1G>A (NM_001406539.1).
Identifiers: ClinVar variation 1482521 (VCV001482521.6), dbSNP rs1951686649, ClinGen allele CA388034541.
Genomic context (GRCh38, chr13:51,968,608, plus strand): 5'-CTGGGTCATACTTGATCTCTGCCTTTCCTGCCATCAAGGCAACCAACACGGAGAGAACAC[C>T]TGGAACCATCAGGTCATGGCTGTAACACTCTGGGTGGGCAGGGCCTCTAGGTTGACACAG-3'